The following is an entry in ClinVar:

ClinVar aggregate classification (germline): Pathogenic (1 of 4 stars; one submission).

Conditions:
Schwannomatosis (SWNTS1). Identifiers: Orphanet 93921, MedGen C1335929, MeSH C536641, MONDO:0008075.

Submission:

UAB Medical Genomics Laboratory, UAB Medicine
Classification: Pathogenic for schwannomatosis. Last evaluated: 2021-05-05. Review status: criteria provided, single submitter. Criteria: ACMG Guidelines, 2015. Collection method: clinical testing. Allele origin: germline. Affected: yes. Observed: 1 variant allele.
Comment: splicing effect confirmed with RNA-based approach

NM_003073.5(SMARCB1):c.500+887G>A

Gene: SMARCB1 (SWI/SNF related BAF chromatin remodeling complex subunit B1; plus strand). Cytogenetic location: 22q11.23.
Variant type: single nucleotide variant.
Coding change: c.500+887G>A on transcript NM_003073.5 (MANE Select); 887 bases into the intron after coding-DNA position 500, G replaced by A.
Molecular consequence: intron variant.
Genome position (GRCh38, 1-based): chr22:23,801,968, G>A. VCF-style: chr22-23801968-G-A. GRCh37 (hg19) VCF-style: chr22-24144155-G-A.
Other names: c.554+833G>A (NM_001362877.2); c.527+833G>A (NM_001317946.2); c.473+887G>A (NM_001007468.3).
Identifiers: ClinVar variation 1192515 (VCV001192515.2), dbSNP rs2145980562, ClinGen allele CA2573054983.